The following is an entry in ClinVar:

NM_004385.5(VCAN):c.6266_6268del (p.Pro2089del)

Genes: VCAN (versican; plus strand), VCAN-AS1 (VCAN antisense RNA 1; minus strand). Cytogenetic location: 5q14.3.
Variant type: Deletion.
Coding change: c.6266_6268del on transcript NM_004385.5 (MANE Select); coding-DNA positions 6266 to 6268, 3 bases deleted (CCC; older notation c.6266_6268delCCC).
Protein change: p.Pro2089del; deletes proline 2089.
Molecular consequence: inframe deletion. On other transcripts: intron variant (2).
Genome position (GRCh38, 1-based): chr5:83,539,269-83,539,271, CCC deleted; deleting any 3 consecutive bases within chr5:83,539,268-83,539,271 gives the same sequence; the c. name uses the placement nearest the transcript's 3' end. VCF-style (leftmost placement, unchanged base first): chr5-83539267-TCCC-T. GRCh37 (hg19) VCF-style: chr5-82835086-TCCC-T.
Other names: c.3305_3307del, p.Pro1102del (NM_001164097.2); c.4004-6268_4004-6266del (NM_001164098.2); c.1043-6268_1043-6266del (NM_001126336.3); short protein forms P2089del, P1102del.
Identifiers: ClinVar variation 2991289 (VCV002991289.4), dbSNP rs1449839719, ClinGen allele CA561259241.

ClinVar aggregate classification (germline): Conflicting classifications of pathogenicity. Review status: criteria provided, conflicting classifications (1 of 4 stars). 2 submissions from 2 submitters: Uncertain significance (1); Likely benign (1). Last evaluated 2023-03-16.

Submissions (2):

Blueprint Genetics
Classification: Likely benign. Last evaluated: 2023-03-16. Review status: criteria provided, single submitter. Criteria: ACMG Guidelines, 2015. Collection method: clinical testing. Allele origin: germline.

Labcorp Genetics (formerly Invitae), Labcorp
Classification: Uncertain significance. Last evaluated: 2022-10-29. Review status: criteria provided, single submitter. Criteria: Invitae Variant Classification Sherloc (09022015). Collection method: clinical testing. Allele origin: germline.
Comment: This variant, c.6266_6268del, results in the deletion of 1 amino acid(s) of the VCAN protein (p.Pro2089del), but otherwise preserves the integrity of the reading frame. This variant is present in population databases (no rsID available, gnomAD 0.0009%). In summary, the available evidence is currently insufficient to determine the role of this variant in disease. Therefore, it has been classified as a Variant of Uncertain Significance. Experimental studies and prediction algorithms are not available or were not evaluated, and the functional significance of this variant is currently unknown. This variant has not been reported in the literature in individuals affected with VCAN-related conditions.